The following is an entry in ClinVar:

ClinVar aggregate classification (germline): Likely benign. Review status: criteria provided, multiple submitters, no conflicts (2 of 4 stars). 4 submissions from 4 submitters: Likely benign (4). Last evaluated 2025-04-09.

Conditions:
Familial thoracic aortic aneurysm and aortic dissection (TAAD). Also called: Thoracic aortic aneurysms and dissections. Identifiers: Orphanet 91387, MedGen C4707243, MONDO:0019625.
Aortic aneurysm, familial thoracic 4 (AAT4). Also called: AORTIC ANEURYSM/AORTIC DISSECTION AND PATENT DUCTUS ARTERIOSUS. Identifiers: MedGen C1851504, MONDO:0007568, OMIM 132900.

Allele frequency attached by ClinVar (database versions not stated): gnomAD exomes below 0.00001; gnomAD 0.00001.
gnomAD v4.1: 4 of 1,614,022 alleles (0.00025%); highest among the groups gnomAD compares: Non-Finnish European, 0.00034%; no homozygotes.

Submissions (4):

Molecular Diagnostic Laboratory for Inherited Cardiovascular Disease, Montreal Heart Institute
Classification: Likely benign. Last evaluated: 2025-04-09. Review status: criteria provided, single submitter. Criteria: ACMG Guidelines, 2015. Collection method: clinical testing. Allele origin: germline. Affected: no.
Comment: BP6;BP7

Labcorp Genetics (formerly Invitae), Labcorp
Classification: Likely benign for Aortic aneurysm, familial thoracic 4. Last evaluated: 2024-03-14. Review status: criteria provided, single submitter. Criteria: Invitae Variant Classification Sherloc (09022015). Collection method: clinical testing. Allele origin: germline.

All of Us Research Program, National Institutes of Health
Classification: Likely benign for Familial thoracic aortic aneurysm and aortic dissection. Last evaluated: 2023-03-07. Review status: criteria provided, single submitter. Criteria: ACMG Guidelines, 2015. Collection method: clinical testing. Allele origin: germline. Inheritance: Autosomal dominant inheritance. Observed: 1 variant allele, 1 heterozygote.
Comment: This study involves interpretation of variants in research participants for the purpose of population health screening. Participant phenotype was not available at the time of variant classification. Additional details can be found in publication PMID: 35346344, PMCID: PMC8962531

Color Diagnostics, LLC DBA Color Health
Classification: Likely benign for Familial thoracic aortic aneurysm and aortic dissection. Last evaluated: 2019-04-06. Review status: criteria provided, single submitter. Criteria: ACMG Guidelines, 2015. Collection method: clinical testing. Allele origin: germline.

NM_002474.3(MYH11):c.1827C>T (p.Ala609=)

Gene: MYH11 (myosin heavy chain 11; minus strand). Cytogenetic location: 16p13.11.
Variant type: single nucleotide variant.
Coding change: c.1827C>T on transcript NM_002474.3 (MANE Select); coding-DNA position 1827, C replaced by T.
Protein change: p.Ala609=; no amino-acid change (alanine 609 retained).
Molecular consequence: synonymous variant.
Genome position (GRCh38, 1-based): chr16:15,753,431, G>A on the plus strand (C>T on the coding strand, the complement: MYH11 is on the minus strand). VCF-style: chr16-15753431-G-A. GRCh37 (hg19) VCF-style: chr16-15847288-G-A.
Other names: c.1848C>T, p.Ala616= (NM_001040113.2, NM_001040114.2); c.1827C>T, p.Ala609= (NM_022844.3); c.1827C>T (NM_002474.2).
Identifiers: ClinVar variation 735279 (VCV000735279.13), dbSNP rs1177383353, ClinGen allele CA493793185.